The following is an entry in ClinVar:

ClinVar aggregate classification (germline): Conflicting classifications of pathogenicity. Review status: criteria provided, conflicting classifications (1 of 4 stars). 4 submissions from 4 submitters: Uncertain significance (1); Likely benign (3). Last evaluated 2025-02-24.

Conditions:
Ehlers-Danlos syndrome, type 4 (EDSVASC). Also called: Ehlers-Danlos syndrome vascular type; Ehlers Danlos syndrome, ecchymotic type; Ehlers Danlos syndrome, arterial type; Ehlers Danlos syndrome, Sack-Barabas type; Ehlers-Danlos Syndrome Type IV. Identifiers: Orphanet 286, MedGen C0268338, MONDO:0017314, OMIM 130050.
Familial thoracic aortic aneurysm and aortic dissection (TAAD). Also called: Thoracic aortic aneurysms and dissections. Identifiers: Orphanet 91387, MedGen C4707243, MONDO:0019625.

Allele frequency attached by ClinVar (database versions not stated): gnomAD exomes below 0.00001 and 0.00001.
gnomAD v4.1: 1 of 1,613,888 alleles (0.000062%); highest among the groups gnomAD compares: Non-Finnish European, 0.000085%; no homozygotes.

Submissions (4):

Color Diagnostics, LLC DBA Color Health
Classification: Likely benign for Familial thoracic aortic aneurysm and aortic dissection. Last evaluated: 2025-02-24. Review status: criteria provided, single submitter. Criteria: ACMG Guidelines, 2015. Collection method: clinical testing. Allele origin: germline.

Labcorp Genetics (formerly Invitae), Labcorp
Classification: Likely benign for Ehlers-Danlos syndrome, type 4. Last evaluated: 2024-12-31. Review status: criteria provided, single submitter. Criteria: Invitae Variant Classification Sherloc (09022015). Collection method: clinical testing. Allele origin: germline.

All of Us Research Program, National Institutes of Health
Classification: Uncertain significance for Ehlers-Danlos syndrome, type 4. Last evaluated: 2023-11-02. Review status: criteria provided, single submitter. Criteria: ACMG Guidelines, 2015. Collection method: clinical testing. Allele origin: germline. Inheritance: Autosomal dominant inheritance. Observed: 2 variant alleles, 2 heterozygotes.
Comment: This variant causes a T to G nucleotide substitution at the -6 position of intron 25 of the COL3A1 gene. To our knowledge, functional studies have not been reported for this variant. This variant has not been reported in individuals affected with COL3A1-related disorders in the literature. This variant has been identified in 2/251302 chromosomes in the general population by the Genome Aggregation Database (gnomAD). The available evidence is insufficient to determine the role of this variant in disease conclusively. Therefore, this variant is classified as a Variant of Uncertain Significance.

This study involves interpretation of variants in research participants for the purpose of population health screening. Participant phenotype was not available at the time of variant classification. Additional details can be found in publication PMID: 35346344, PMCID: PMC8962531

GeneDx
Classification: Likely benign. Last evaluated: 2017-04-20. Review status: criteria provided, single submitter. Criteria: GeneDx Variant Classification (06012015). Collection method: clinical testing. Allele origin: germline. Affected: yes.
Comment: This variant is considered likely benign or benign based on one or more of the following criteria: it is a conservative change, it occurs at a poorly conserved position in the protein, it is predicted to be benign by multiple in silico algorithms, and/or has population frequency not consistent with disease.

NM_000090.4(COL3A1):c.1816-6T>G

Gene: COL3A1 (collagen type III alpha 1 chain; plus strand). Cytogenetic location: 2q32.2.
Variant type: single nucleotide variant.
Coding change: c.1816-6T>G on transcript NM_000090.4 (MANE Select); 6 bases into the intron before coding-DNA position 1816, T replaced by G.
Molecular consequence: intron variant.
Genome position (GRCh38, 1-based): chr2:188,997,330, T>G. VCF-style: chr2-188997330-T-G. GRCh37 (hg19) VCF-style: chr2-189862056-T-G.
Identifiers: ClinVar variation 508892 (VCV000508892.7), dbSNP rs1474453319, ClinGen allele CA538441368.
Genomic context (GRCh38, chr2:188,997,330, plus strand): 5'-TCCAACCTTCTGACTTCTCTCTGTAATCTGTATTATTTCTACTTCCCTAACTGTTCTTGT[T>G]TTTAGGGTCCTCCTGGAAAGAATGGTGAAACTGGACCTCAGGGACCCCCAGGGCCTACTG-3'